The following is an entry in ClinVar:

ClinVar aggregate classification (germline): Uncertain significance (1 of 4 stars; one submission).

gnomAD v4.1: 6 of 1,613,906 alleles (0.00037%); highest among the groups gnomAD compares: Admixed American, 0.01%; no homozygotes.

Submission:

Labcorp Genetics (formerly Invitae), Labcorp
Classification: Uncertain significance. Last evaluated: 2022-08-15. Review status: criteria provided, single submitter. Criteria: Invitae Variant Classification Sherloc (09022015). Collection method: clinical testing. Allele origin: germline.
Comment: In summary, the available evidence is currently insufficient to determine the role of this variant in disease. Therefore, it has been classified as a Variant of Uncertain Significance. Algorithms developed to predict the effect of missense changes on protein structure and function are either unavailable or do not agree on the potential impact of this missense change (SIFT: "Tolerated"; PolyPhen-2: "Possibly Damaging"; Align-GVGD: "Class C0"). ClinVar contains an entry for this variant (Variation ID: 1480613). This variant has not been reported in the literature in individuals affected with RTTN-related conditions. This variant is present in population databases (rs199546509, gnomAD 0.009%). This sequence change replaces threonine, which is neutral and polar, with arginine, which is basic and polar, at codon 2027 of the RTTN protein (p.Thr2027Arg).

NM_173630.4(RTTN):c.6080C>G (p.Thr2027Arg)

Gene: RTTN (rotatin; minus strand). Cytogenetic location: 18q22.2.
Variant type: single nucleotide variant.
Coding change: c.6080C>G on transcript NM_173630.4 (MANE Select); coding-DNA position 6080, C replaced by G.
Protein change: p.Thr2027Arg; replaces threonine 2027 with arginine.
Molecular consequence: missense variant.
Genome position (GRCh38, 1-based): chr18:70,020,688, G>C on the plus strand (C>G on the coding strand, the complement: RTTN is on the minus strand). VCF-style: chr18-70020688-G-C. GRCh37 (hg19) VCF-style: chr18-67687924-G-C.
Other names: c.3344C>G, p.Thr1115Arg (NM_001318520.2); short protein forms T1115R, T2027R.
Identifiers: ClinVar variation 1480613 (VCV001480613.8), dbSNP rs199546509, ClinGen allele CA8994767.